The following is an entry in ClinVar:

NM_001130144.3(LTBP3):c.3628+5G>C

Gene: LTBP3 (latent transforming growth factor beta binding protein 3; minus strand). Cytogenetic location: 11q13.1.
Variant type: single nucleotide variant.
Coding change: c.3628+5G>C on transcript NM_001130144.3 (MANE Select); 5 bases into the intron after coding-DNA position 3628, G replaced by C.
Molecular consequence: intron variant.
Genome position (GRCh38, 1-based): chr11:65,539,543, C>G on the plus strand (G>C on the coding strand, the complement: LTBP3 is on the minus strand). VCF-style: chr11-65539543-C-G. GRCh37 (hg19) VCF-style: chr11-65307014-C-G.
Other names: c.3136+5G>C (NM_001164266.1); c.3487+5G>C (NM_021070.4).
Identifiers: ClinVar variation 3638468 (VCV003638468.2).

ClinVar aggregate classification (germline): Uncertain significance (1 of 4 stars; one submission).

Conditions:
Brachyolmia-amelogenesis imperfecta syndrome. Also called: PLATYSPONDYLY WITH AMELOGENESIS IMPERFECTA; Tooth agenesis, selective, 6; Dental anomalies and short stature. Identifiers: Orphanet 2899, MedGen C1832594, MONDO:0011018, OMIM 601216. Disease mechanism: loss of function.

Submission:

Labcorp Genetics (formerly Invitae), Labcorp
Classification: Uncertain significance for Brachyolmia-amelogenesis imperfecta syndrome. Last evaluated: 2024-02-02. Review status: criteria provided, single submitter. Criteria: Invitae Variant Classification Sherloc (09022015). Collection method: clinical testing. Allele origin: germline.
Comment: This sequence change falls in intron 26 of the LTBP3 gene. It does not directly change the encoded amino acid sequence of the LTBP3 protein. It affects a nucleotide within the consensus splice site. This variant is not present in population databases (gnomAD no frequency). This variant has not been reported in the literature in individuals affected with LTBP3-related conditions. Variants that disrupt the consensus splice site are a relatively common cause of aberrant splicing (PMID: 17576681, 9536098). Algorithms developed to predict the effect of sequence changes on RNA splicing suggest that this variant is not likely to affect RNA splicing. In summary, the available evidence is currently insufficient to determine the role of this variant in disease. Therefore, it has been classified as a Variant of Uncertain Significance.

Literature cited by the submitters: PubMed 17576681; PubMed 9536098.